The following is an entry in ClinVar:

NM_031407.7(HUWE1):c.8607G>T (p.Glu2869Asp)

Gene: HUWE1 (HECT, UBA and WWE domain containing E3 ubiquitin protein ligase 1; minus strand). Cytogenetic location: Xp11.22.
Variant type: single nucleotide variant.
Coding change: c.8607G>T on transcript NM_031407.7 (MANE Select); coding-DNA position 8607, G replaced by T.
Protein change: p.Glu2869Asp; replaces glutamic acid 2869 with aspartic acid.
Molecular consequence: missense variant.
Genome position (GRCh38, 1-based): chrX:53,552,781, C>A on the plus strand (G>T on the coding strand, the complement: HUWE1 is on the minus strand). VCF-style: chrX-53552781-C-A. GRCh37 (hg19) VCF-style: chrX-53579742-C-A.
Other names: short protein forms E2869D.
Identifiers: ClinVar variation 2576845 (VCV002576845.1), dbSNP rs2523428884, ClinGen allele CA413146367.

ClinVar aggregate classification (germline): Uncertain significance (1 of 4 stars; one submission).

Submission:

GeneDx
Classification: Uncertain significance. Last evaluated: 2023-02-15. Review status: criteria provided, single submitter. Criteria: GeneDx Variant Classification Process June 2021. Collection method: clinical testing. Allele origin: germline. Affected: yes.
Comment: Not observed at significant frequency in large population cohorts (gnomAD); In silico analysis supports that this missense variant does not alter protein structure/function; Has not been previously published as pathogenic or benign to our knowledge